The following is an entry in ClinVar:

NM_178857.6(RP1L1):c.605A>G (p.Lys202Arg)

Gene: RP1L1 (RP1 like 1). Cytogenetic location: 8p23.1.
Variant type: single nucleotide variant.
Coding change: c.605A>G on transcript NM_178857.6 (MANE Select); coding-DNA position 605, A replaced by G.
Protein change: p.Lys202Arg; replaces lysine 202 with arginine.
Molecular consequence: missense variant.
Genome position (GRCh38, 1-based): chr8:10,622,597, T>C on the plus strand (A>G on the coding strand, the complement: RP1L1 is on the minus strand). VCF-style: chr8-10622597-T-C. GRCh37 (hg19) VCF-style: chr8-10480107-T-C.
Other names: short protein forms K202R.
Identifiers: ClinVar variation 1353339 (VCV001353339.8), dbSNP rs376112586, ClinGen allele CA4625626.

ClinVar aggregate classification (germline): Uncertain significance (1 of 4 stars; one submission).

Allele frequency attached by ClinVar (database versions not stated): ExAC 0.00001; gnomAD 0.00001; gnomAD exomes 0.00001; TOPMed 0.00001; ESP Exome Variant Server 0.00008.
gnomAD v4.1: 33 of 1,614,066 alleles (0.002%); highest among the groups gnomAD compares: Non-Finnish European, 0.0025%; 1 homozygote.

Submission:

Labcorp Genetics (formerly Invitae), Labcorp
Classification: Uncertain significance. Last evaluated: 2025-05-13. Review status: criteria provided, single submitter. Criteria: Invitae Variant Classification Sherloc (09022015). Collection method: clinical testing. Allele origin: germline.
Comment: This sequence change replaces lysine, which is basic and polar, with arginine, which is basic and polar, at codon 202 of the RP1L1 protein (p.Lys202Arg). This variant is present in population databases (rs376112586, gnomAD 0.002%). This variant has not been reported in the literature in individuals affected with RP1L1-related conditions. ClinVar contains an entry for this variant (Variation ID: 1353339). Invitae Evidence Modeling of protein sequence and biophysical properties (such as structural, functional, and spatial information, amino acid conservation, physicochemical variation, residue mobility, and thermodynamic stability) indicates that this missense variant is not expected to disrupt RP1L1 protein function with a negative predictive value of 80%. In summary, the available evidence is currently insufficient to determine the role of this variant in disease. Therefore, it has been classified as a Variant of Uncertain Significance.